The following is an entry in ClinVar:

ClinVar aggregate classification (germline): Pathogenic (1 of 4 stars; one submission).

Conditions:
Alstrom syndrome (ALMS). Identifiers: Orphanet 64, MedGen C0268425, MONDO:0008763, OMIM 203800.

Submission:

Labcorp Genetics (formerly Invitae), Labcorp
Classification: Pathogenic for Alstrom syndrome. Last evaluated: 2022-09-18. Review status: criteria provided, single submitter. Criteria: Invitae Variant Classification Sherloc (09022015). Collection method: clinical testing. Allele origin: germline.
Comment: This variant is not present in population databases (gnomAD no frequency). This sequence change creates a premature translational stop signal (p.Val1755Glyfs*13) in the ALMS1 gene. It is expected to result in an absent or disrupted protein product. Loss-of-function variants in ALMS1 are known to be pathogenic (PMID: 17594715). This variant has not been reported in the literature in individuals affected with ALMS1-related conditions. For these reasons, this variant has been classified as Pathogenic.

Literature cited by the submitters: PubMed 17594715.

NM_001378454.1(ALMS1):c.5260dup (p.Val1754fs)

Gene: ALMS1 (ALMS1 centrosome and basal body associated protein; plus strand). Cytogenetic location: 2p13.1.
Variant type: Duplication.
Coding change: c.5260dup on transcript NM_001378454.1 (MANE Select); coding-DNA position 5260, one base duplicated (G; older notation c.5260dupG).
Protein change: p.Val1754fs; shifts the reading frame from valine 1754.
Molecular consequence: frameshift variant.
Genome position (GRCh38, 1-based): chr2:73,451,787, G duplicated. VCF-style (leftmost placement, unchanged base first): chr2-73451786-T-TG. GRCh37 (hg19) VCF-style: chr2-73678913-T-TG.
Other names: c.5263dup, p.Val1755fs (NM_015120.4); short protein forms V1754fs, V1755fs.
Identifiers: ClinVar variation 2029549 (VCV002029549.4), dbSNP rs2466104360, ClinGen allele CA2580067982.